The following is an entry in ClinVar:

NC_000021.8:g.(?_47697421)_(47705200_?)dup

Gene: MCM3AP (minichromosome maintenance complex component 3 associated protein; minus strand). Cytogenetic location: 21q22.3.
Variant type: Duplication.
Identifiers: ClinVar variation 1410880 (VCV001410880.5).

ClinVar aggregate classification (germline): Uncertain significance (1 of 4 stars; one submission).

Submission:

Labcorp Genetics (formerly Invitae), Labcorp
Classification: Uncertain significance. Last evaluated: 2022-07-06. Review status: criteria provided, single submitter. Criteria: Invitae Variant Classification Sherloc (09022015). Collection method: clinical testing. Allele origin: germline.
Comment: In summary, the available evidence is currently insufficient to determine the role of this variant in disease. Therefore, it has been classified as a Variant of Uncertain Significance. Experimental studies and prediction algorithms are not available or were not evaluated, and the functional significance of this variant is currently unknown. This variant has not been reported in the literature in individuals affected with MCM3AP-related conditions. This variant results in a copy number gain of the genomic region encompassing exon(s) 1-5 of the MCM3AP gene. This region includes the initiator codon of the gene. This copy number gain extends beyond the assayed region for this gene and therefore may encompass additional genes. As the precise location of this event is unknown, it may be in tandem or it may be located elsewhere in the genome.